The following is an entry in ClinVar:

NM_000701.8(ATP1A1):c.304A>G (p.Met102Val)

Gene: ATP1A1 (ATPase Na+/K+ transporting subunit alpha 1; plus strand). Cytogenetic location: 1p13.1.
Variant type: single nucleotide variant.
Coding change: c.304A>G on transcript NM_000701.8 (MANE Select); coding-DNA position 304, A replaced by G.
Protein change: p.Met102Val; replaces methionine 102 with valine.
Molecular consequence: missense variant.
Genome position (GRCh38, 1-based): chr1:116,387,408, A>G. VCF-style: chr1-116387408-A-G. GRCh37 (hg19) VCF-style: chr1-116930030-A-G.
Other names: c.304A>G, p.Met102Val (NM_001160233.2); c.211A>G, p.Met71Val (NM_001160234.2); short protein forms M71V, M102V.
Identifiers: ClinVar variation 2085837 (VCV002085837.4), dbSNP rs764588242, ClinGen allele CA1025089.

ClinVar aggregate classification (germline): Uncertain significance (1 of 4 stars; one submission).

Allele frequency attached by ClinVar (database versions not stated): ExAC 0.00001; gnomAD 0.00002; TOPMed 0.00003.

Submission:

Labcorp Genetics (formerly Invitae), Labcorp
Classification: Uncertain significance. Last evaluated: 2025-07-31. Review status: criteria provided, single submitter. Criteria: Invitae Variant Classification Sherloc (09022015). Collection method: clinical testing. Allele origin: germline.
Comment: This sequence change replaces methionine, which is neutral and non-polar, with valine, which is neutral and non-polar, at codon 102 of the ATP1A1 protein (p.Met102Val). This variant is present in population databases (rs764588242, gnomAD 0.006%). This variant has not been reported in the literature in individuals affected with ATP1A1-related conditions. ClinVar contains an entry for this variant (Variation ID: 2085837). Invitae Evidence Modeling of protein sequence and biophysical properties (such as structural, functional, and spatial information, amino acid conservation, physicochemical variation, residue mobility, and thermodynamic stability) indicates that this missense variant is not expected to disrupt ATP1A1 protein function with a negative predictive value of 95%. In summary, the available evidence is currently insufficient to determine the role of this variant in disease. Therefore, it has been classified as a Variant of Uncertain Significance.